The following is an entry in ClinVar:

NM_000051.4(ATM):c.4436+1G>C

Gene: ATM (ATM serine/threonine kinase; plus strand). Cytogenetic location: 11q22.3.
Variant type: single nucleotide variant.
Coding change: c.4436+1G>C on transcript NM_000051.4 (MANE Select); the canonical splice donor site of the intron after coding-DNA position 4436, G replaced by C.
Molecular consequence: splice donor variant.
Genome position (GRCh38, 1-based): chr11:108,289,802, G>C. VCF-style: chr11-108289802-G-C. GRCh37 (hg19) VCF-style: chr11-108160529-G-C.
Other names: c.4436+1G>C (NM_001351834.2).
Identifiers: ClinVar variation 4727912 (VCV004727912.1).

ClinVar aggregate classification (germline): Pathogenic (1 of 4 stars; one submission).

Conditions:
Ataxia-telangiectasia syndrome (AT). Also called: ATAXIA-TELANGIECTASIA, COMPLEMENTATION GROUP A; ATAXIA-TELANGIECTASIA, FRESNO VARIANT; Ataxia-telangiectasia; LOUIS-BAR SYNDROME; Cerebello-oculocutaneous telangiectasia; Immunodeficiency with ataxia telangiectasia. Identifiers: Orphanet 100, MedGen C0004135, MONDO:0008840, OMIM 208900.

Submission:

Labcorp Genetics (formerly Invitae), Labcorp
Classification: Pathogenic for Ataxia-telangiectasia syndrome. Last evaluated: 2025-09-27. Review status: criteria provided, single submitter. Criteria: Invitae Variant Classification Sherloc (09022015). Collection method: clinical testing. Allele origin: germline.
Comment: This sequence change affects a donor splice site in intron 29 of the ATM gene. RNA analysis indicates that disruption of this splice site induces altered splicing and may result in an absent or altered protein product. This variant is not present in population databases (gnomAD no frequency). Disruption of this splice site has been observed in individual(s) with clinical features of ataxia-telangiectasia (internal data). In at least one individual the data is consistent with being in trans (on the opposite chromosome) from a pathogenic variant. Studies have shown that disruption of this splice site results in skipping of exon 29, and produces a non-functional protein and/or introduces a premature termination codon (internal data). For these reasons, this variant has been classified as Pathogenic.